The following is an entry in ClinVar:

ClinVar aggregate classification (germline): Benign/Likely benign. Review status: criteria provided, multiple submitters, no conflicts (2 of 4 stars). 3 submissions from 3 submitters: Benign (1); Likely benign (2). Last evaluated 2024-06-17.

Conditions:
Familial cancer of breast. Also called: BREAST CANCER, FAMILIAL; Hereditary breast cancer; hereditary breast carcinoma. Identifiers: Orphanet 227535, MedGen C0346153, MONDO:0016419, OMIM 114480. Disease mechanism: loss of function.
Ataxia-telangiectasia syndrome (AT). Also called: LOUIS-BAR SYNDROME; Cerebello-oculocutaneous telangiectasia; Immunodeficiency with ataxia telangiectasia; Ataxia telangiectasia (A-T); Ataxia-telangiectasia, complementation group D; AT, COMPLEMENTATION GROUP C. Identifiers: Orphanet 100, MedGen C0004135, MONDO:0008840, OMIM 208900.
Hereditary cancer-predisposing syndrome. Also called: Neoplastic Syndromes, Hereditary; Tumor predisposition; Hereditary Cancer Syndrome; Hereditary neoplastic syndrome. Identifiers: Orphanet 140162, MedGen C0027672, MeSH D009386, MONDO:0015356.

Submissions (3):

Myriad Genetics, Inc.
Classification: Benign for Familial cancer of breast. Last evaluated: 2024-06-17. Review status: criteria provided, single submitter. Criteria: Myriad Autosomal Dominant, Autosomal Recessive and X-Linked Classification Criteria (2023). Collection method: clinical testing. Allele origin: unknown.
Comment: This variant is considered benign. This variant is a silent/synonymous amino acid change and it is not expected to impact splicing.

Ambry Genetics
Classification: Likely benign for Hereditary cancer-predisposing syndrome. Last evaluated: 2021-05-07. Review status: criteria provided, single submitter. Criteria: Ambry Variant Classification Scheme 2023. Collection method: clinical testing. Allele origin: germline.

Labcorp Genetics (formerly Invitae), Labcorp
Classification: Likely benign for Ataxia-telangiectasia syndrome. Last evaluated: 2021-04-15. Review status: criteria provided, single submitter. Criteria: Invitae Variant Classification Sherloc (09022015). Collection method: clinical testing. Allele origin: germline.

NM_000051.4(ATM):c.7731A>G (p.Val2577=)

Genes: ATM (ATM serine/threonine kinase; plus strand), C11orf65 (chromosome 11 open reading frame 65; minus strand). Cytogenetic location: 11q22.3.
Variant type: single nucleotide variant.
Coding change: c.7731A>G on transcript NM_000051.4 (MANE Select); coding-DNA position 7731, A replaced by G.
Protein change: p.Val2577=; no amino-acid change (valine 2577 retained).
Molecular consequence: synonymous variant. On other transcripts: intron variant (2).
Genome position (GRCh38, 1-based): chr11:108,331,980, A>G. VCF-style: chr11-108331980-A-G. GRCh37 (hg19) VCF-style: chr11-108202707-A-G.
Other names: c.7731A>G, p.Val2577= (NM_001351834.2); c.641-22909T>C (NM_001330368.2); c.*38+3240T>C (NM_001351110.2).
Identifiers: ClinVar variation 1551059 (VCV001551059.11), dbSNP rs2136524528, ClinGen allele CA476677240.